The following is an entry in ClinVar:

ClinVar aggregate classification (germline): Conflicting classifications of pathogenicity. Review status: criteria provided, conflicting classifications (1 of 4 stars). 5 submissions from 5 submitters: Likely pathogenic (1); Uncertain significance (4). Last evaluated 2026-09-14.

Conditions:
Inborn genetic diseases. Identifiers: MedGen C0950123, MeSH D030342.
Retinal disorder. Also called: Retinopathy; Retinopathies; Retinal Diseases; Retinal disorders. Identifiers: MedGen C0035309, MONDO:0005283, HP:0000488.

Allele frequency attached by ClinVar (database versions not stated): ExAC 0.00003; gnomAD 0.00005; TOPMed 0.00005; gnomAD exomes 0.00001 and 0.00002.
gnomAD v4.1: 29 of 1,614,042 alleles (0.0018%); highest among the groups gnomAD compares: East Asian, 0.0045%; no homozygotes.

Submissions (5):

Genetics Laboratory, Great Ormond Street Hospital NHS Foundation Trust, North Thames Genomic Laboratory Hub
Classification: Likely pathogenic for Retinal disorders. Last evaluated: 2026-09-14. Review status: criteria provided, single submitter. Criteria: ACGS Best Practice Guidelines for Variant Classification in Rare Disease 2024 v1.2. Collection method: clinical testing. Allele origin: germline. Affected: yes.
Comment: PM2_moderate, PP3_supporting, PM3_strong

Ambry Genetics
Classification: Uncertain significance for Inborn genetic diseases. Last evaluated: 2025-07-15. Review status: criteria provided, single submitter. Criteria: Ambry Variant Classification Scheme 2023. Collection method: clinical testing. Allele origin: germline.

Blueprint Genetics
Classification: Uncertain significance. Last evaluated: 2024-06-03. Review status: criteria provided, single submitter. Criteria: ACMG Guidelines, 2015. Collection method: clinical testing. Allele origin: germline.

Labcorp Genetics (formerly Invitae), Labcorp
Classification: Uncertain significance. Last evaluated: 2022-10-04. Review status: criteria provided, single submitter. Criteria: Invitae Variant Classification Sherloc (09022015). Collection method: clinical testing. Allele origin: germline.
Comment: This sequence change replaces arginine, which is basic and polar, with histidine, which is basic and polar, at codon 917 of the TRPM1 protein (p.Arg917His). This variant is present in population databases (rs779690150, gnomAD 0.006%). This variant has not been reported in the literature in individuals affected with TRPM1-related conditions. ClinVar contains an entry for this variant (Variation ID: 1061850). Advanced modeling of protein sequence and biophysical properties (such as structural, functional, and spatial information, amino acid conservation, physicochemical variation, residue mobility, and thermodynamic stability) has been performed at Invitae for this missense variant, however the output from this modeling did not meet the statistical confidence thresholds required to predict the impact of this variant on TRPM1 protein function. In summary, the available evidence is currently insufficient to determine the role of this variant in disease. Therefore, it has been classified as a Variant of Uncertain Significance.

GeneDx
Classification: Uncertain significance. Last evaluated: 2019-08-20. Review status: criteria provided, single submitter. Criteria: GeneDx Variant Classification Process June 2021. Collection method: clinical testing. Allele origin: germline. Affected: yes.
Comment: Has not been previously published as pathogenic or benign to our knowledge; In silico analysis, which includes protein predictors and evolutionary conservation, supports a deleterious effect

NM_001252024.2(TRPM1):c.2816G>A (p.Arg939His)

Genes: TRPM1-AS1 (TRPM1 antisense RNA 1; plus strand), TRPM1 (transient receptor potential cation channel subfamily M member 1; minus strand). Cytogenetic location: 15q13.3.
Variant type: single nucleotide variant.
Coding change: c.2816G>A on transcript NM_001252024.2 (MANE Select); coding-DNA position 2816, G replaced by A.
Protein change: p.Arg939His; replaces arginine 939 with histidine.
Molecular consequence: missense variant.
Genome position (GRCh38, 1-based): chr15:31,032,825, C>T on the plus strand (G>A on the coding strand, the complement: TRPM1 is on the minus strand). VCF-style: chr15-31032825-C-T. GRCh37 (hg19) VCF-style: chr15-31325028-C-T.
Other names: c.2867G>A, p.Arg956His (NM_001252020.2); c.2750G>A, p.Arg917His (NM_002420.6); c.2750G>A (NM_002420.4); short protein forms R917H, R939H, R956H.
Identifiers: ClinVar variation 1061850 (VCV001061850.10), dbSNP rs779690150, ClinGen allele CA7452067.